The following is an entry in ClinVar:

NM_000138.5(FBN1):c.1535C>T (p.Thr512Ile)

Gene: FBN1 (fibrillin 1; minus strand). Cytogenetic location: 15q21.1.
Variant type: single nucleotide variant.
Coding change: c.1535C>T on transcript NM_000138.5 (MANE Select); coding-DNA position 1535, C replaced by T.
Protein change: p.Thr512Ile; replaces threonine 512 with isoleucine.
Molecular consequence: missense variant.
Genome position (GRCh38, 1-based): chr15:48,513,602, G>A on the plus strand (C>T on the coding strand, the complement: FBN1 is on the minus strand). VCF-style: chr15-48513602-G-A. GRCh37 (hg19) VCF-style: chr15-48805799-G-A.
Other names: short protein forms T512I.
Identifiers: ClinVar variation 457163 (VCV000457163.11), dbSNP rs1555400280, ClinGen allele CA392342391.

ClinVar aggregate classification (germline): Uncertain significance. Review status: criteria provided, multiple submitters, no conflicts (2 of 4 stars). 3 submissions from 3 submitters: Uncertain significance (3). Last evaluated 2024-03-06.

Conditions:
Marfan syndrome (MFS). Also called: MARFAN SYNDROME, TYPE I; FBN1-Related Marfan Syndrome; Marfan syndrome type 1; Marfan's syndrome; Marfan syndrome, classic. Identifiers: Orphanet 284963, Orphanet 558, MedGen C0024796, MONDO:0007947, OMIM 154700.
Familial thoracic aortic aneurysm and aortic dissection (TAAD). Also called: Thoracic aortic aneurysms and dissections. Identifiers: Orphanet 91387, MedGen C4707243, MONDO:0019625.

Submissions (3):

Color Diagnostics, LLC DBA Color Health
Classification: Uncertain significance for Familial thoracic aortic aneurysm and aortic dissection. Last evaluated: 2024-03-06. Review status: criteria provided, single submitter. Criteria: ACMG Guidelines, 2015. Collection method: clinical testing. Allele origin: germline.
Comment: This missense variant replaces threonine with isoleucine at codon 512 of the FBN1 protein. Computational prediction suggests that this variant may not impact protein structure and function (internally defined REVEL score threshold <= 0.5, PMID: 27666373). To our knowledge, functional studies have not been reported for this variant. This variant has not been reported in individuals affected with cardiovascular disorders in the literature. This variant has not been identified in the general population by the Genome Aggregation Database (gnomAD). The available evidence is insufficient to determine the role of this variant in disease conclusively. Therefore, this variant is classified as a Variant of Uncertain Significance.

All of Us Research Program, National Institutes of Health
Classification: Uncertain significance for Marfan syndrome. Last evaluated: 2024-03-05. Review status: criteria provided, single submitter. Criteria: ACMG Guidelines, 2015. Collection method: clinical testing. Allele origin: germline. Inheritance: Autosomal dominant inheritance. Observed: 1 variant allele, 1 heterozygote.
Comment: This missense variant replaces threonine with isoleucine at codon 512 of the FBN1 protein. Computational prediction suggests that this variant may not impact protein structure and function (internally defined REVEL score threshold <= 0.5, PMID: 27666373). To our knowledge, functional studies have not been reported for this variant. This variant has not been reported in individuals affected with cardiovascular disorders in the literature. This variant has not been identified in the general population by the Genome Aggregation Database (gnomAD). The available evidence is insufficient to determine the role of this variant in disease conclusively. Therefore, this variant is classified as a Variant of Uncertain Significance.

This study involves interpretation of variants in research participants for the purpose of population health screening. Participant phenotype was not available at the time of variant classification. Additional details can be found in publication PMID: 35346344, PMCID: PMC8962531

Labcorp Genetics (formerly Invitae), Labcorp
Classification: Uncertain significance for Marfan syndrome; Familial thoracic aortic aneurysm and aortic dissection. Last evaluated: 2021-08-27. Review status: criteria provided, single submitter. Criteria: Invitae Variant Classification Sherloc (09022015). Collection method: clinical testing. Allele origin: germline.
Comment: This sequence change replaces threonine with isoleucine at codon 512 of the FBN1 protein (p.Thr512Ile). The threonine residue is moderately conserved and there is a moderate physicochemical difference between threonine and isoleucine. This variant is not present in population databases (ExAC no frequency). This variant has not been reported in the literature in individuals affected with FBN1-related conditions. Algorithms developed to predict the effect of missense changes on protein structure and function output the following: SIFT: "Tolerated"; PolyPhen-2: "Benign"; Align-GVGD: "Class C0". The isoleucine amino acid residue is found in multiple mammalian species, which suggests that this missense change does not adversely affect protein function. In summary, the available evidence is currently insufficient to determine the role of this variant in disease. Therefore, it has been classified as a Variant of Uncertain Significance.